The following is an entry in ClinVar:

NM_006415.4(SPTLC1):c.397T>C (p.Cys133Arg)

Gene: SPTLC1 (serine palmitoyltransferase long chain base subunit 1; minus strand). Cytogenetic location: 9q22.31.
Variant type: single nucleotide variant.
Coding change: c.397T>C on transcript NM_006415.4 (MANE Select); coding-DNA position 397, T replaced by C.
Protein change: p.Cys133Arg; replaces cysteine 133 with arginine.
Molecular consequence: missense variant. On other transcripts: 5 prime UTR variant (2).
Genome position (GRCh38, 1-based): chr9:92,080,046, A>G on the plus strand (T>C on the coding strand, the complement: SPTLC1 is on the minus strand). VCF-style: chr9-92080046-A-G. GRCh37 (hg19) VCF-style: chr9-94842328-A-G.
Other names: c.397T>C, p.Cys133Arg (NM_001281303.2, NM_178324.3); c.-103T>C (NM_001368272.1); c.-69T>C (NM_001368273.1); short protein forms C133R.
Identifiers: ClinVar variation 637417 (VCV000637417.14), dbSNP rs1587953587, ClinGen allele CA373788071.

ClinVar aggregate classification (germline): Uncertain significance. Review status: criteria provided, multiple submitters, no conflicts (2 of 4 stars). 3 submissions from 3 submitters: Uncertain significance (2). 1 of the submissions does not count toward it. Last evaluated 2020-07-26.

Conditions:
Hereditary sensory and autonomic neuropathy type 1 (HSAN1). Also called: HSAN 1; HSN Type I; Hereditary Sensory Neuropathy Type I. Identifiers: Orphanet 36386, MedGen C0020071, MONDO:0018213.
Charcot-Marie-Tooth disease. Also called: Charcot-Marie-Tooth Neuropathy; Charcot-Marie-Tooth Hereditary Neuropathy. Identifiers: Orphanet 166, MedGen C0007959, MONDO:0015626.

Allele frequency attached by ClinVar (database versions not stated): gnomAD exomes below 0.00001.
gnomAD v4.1: 2 of 1,614,104 alleles (0.00012%); highest among the groups gnomAD compares: Non-Finnish European, 0.00017%; no homozygotes.

Submissions (3):

Labcorp Genetics (formerly Invitae), Labcorp
Classification: Uncertain significance for Hereditary sensory and autonomic neuropathy type 1. Last evaluated: 2020-07-26. Review status: criteria provided, single submitter. Criteria: Invitae Variant Classification Sherloc (09022015). Collection method: clinical testing. Allele origin: germline.
Comment: This sequence change replaces cysteine with arginine at codon 133 of the SPTLC1 protein (p.Cys133Arg). The cysteine residue is highly conserved and there is a large physicochemical difference between cysteine and arginine. This variant is not present in population databases (ExAC no frequency). This variant has been observed in individual(s) with hereditary sensory neuropathy (PMID: 19555464). ClinVar contains an entry for this variant (Variation ID: 637417). Algorithms developed to predict the effect of missense changes on protein structure and function are either unavailable or do not agree on the potential impact of this missense change (SIFT: "Deleterious"; PolyPhen-2: "Probably Damaging"; Align-GVGD: "Class C0"). This variant disrupts the p.Cys133 amino acid residue in SPTLC1. Other variant(s) that disrupt this residue have been determined to be pathogenic (PMID: 11242106, 11242114, 16364956, 18018475, 22302274, 26681808, 15546589). This suggests that this residue is clinically significant, and that variants that disrupt this residue are likely to be disease-causing. In summary, the available evidence is currently insufficient to determine the role of this variant in disease. Therefore, it has been classified as a Variant of Uncertain Significance.

Mayo Clinic Laboratories, Mayo Clinic
Classification: Uncertain significance. Last evaluated: 2019-08-17. Review status: criteria provided, single submitter. Criteria: ACMG Guidelines, 2015. Collection method: clinical testing. Allele origin: germline. Observed: 1 variant allele.

Inherited Neuropathy Consortium
Classification: Uncertain significance for Charcot-Marie-Tooth disease. Review status: no assertion criteria provided. Collection method: literature only. Allele origin: germline. Affected: yes. Not counted in ClinVar's aggregate classification.

Literature cited by the submitters: PubMed 19555464 (cited by Labcorp Genetics (formerly Invitae), Labcorp); PubMed 11242106 (cited by Labcorp Genetics (formerly Invitae), Labcorp); PubMed 11242114 (cited by Labcorp Genetics (formerly Invitae), Labcorp); PubMed 16364956 (cited by Labcorp Genetics (formerly Invitae), Labcorp); PubMed 18018475 (cited by Labcorp Genetics (formerly Invitae), Labcorp); PubMed 22302274 (cited by Labcorp Genetics (formerly Invitae), Labcorp); PubMed 26681808 (cited by Labcorp Genetics (formerly Invitae), Labcorp); PubMed 15546589 (cited by Labcorp Genetics (formerly Invitae), Labcorp); PubMed 21618344 (cited by Inherited Neuropathy Consortium).